The following is an entry in ClinVar:

ClinVar aggregate classification (germline): Uncertain significance. Review status: criteria provided, single submitter (1 of 4 stars). 2 submissions from 2 submitters: Uncertain significance (1). 1 of the submissions does not count toward it. Last evaluated 2023-03-02.

Conditions:
PLXNA1-related disorder. Also called: PLXNA1-related condition.

Allele frequency attached by ClinVar (database versions not stated): ExAC 0.00002; TOPMed 0.00005; gnomAD 0.00006; ESP Exome Variant Server 0.00008.
gnomAD v4.1: 129 of 1,582,294 alleles (0.0082%); highest among the groups gnomAD compares: Non-Finnish European, 0.01%; no homozygotes.

Submissions (2):

Ambry Genetics
Classification: Uncertain significance. Last evaluated: 2023-03-02. Review status: criteria provided, single submitter. Criteria: Ambry Variant Classification Scheme 2023. Collection method: clinical testing. Allele origin: germline.

PreventionGenetics, part of Exact Sciences
Classification: Uncertain significance for PLXNA1-related condition. Last evaluated: 2024-05-21. Review status: no assertion criteria provided. Collection method: clinical testing. Allele origin: germline. Not counted in ClinVar's aggregate classification.
Comment: The PLXNA1 c.137C>A variant is predicted to result in the amino acid substitution p.Ala46Asp. To our knowledge, this variant has not been reported in the literature. This variant is reported in 0.0081% of alleles in individuals of African descent in gnomAD. At this time, the clinical significance of this variant is uncertain due to the absence of conclusive functional and genetic evidence.

NM_032242.4(PLXNA1):c.137C>A (p.Ala46Asp)

Gene: PLXNA1 (plexin A1; plus strand). Cytogenetic location: 3q21.3.
Variant type: single nucleotide variant.
Coding change: c.137C>A on transcript NM_032242.4 (MANE Select); coding-DNA position 137, C replaced by A.
Protein change: p.Ala46Asp; replaces alanine 46 with aspartic acid.
Molecular consequence: missense variant.
Genome position (GRCh38, 1-based): chr3:126,988,730, C>A. VCF-style: chr3-126988730-C-A. GRCh37 (hg19) VCF-style: chr3-126707573-C-A.
Other names: short protein forms A46D.
Identifiers: ClinVar variation 2462098 (VCV002462098.3), dbSNP rs146428172, ClinGen allele CA2592918.